The following is an entry in ClinVar:

ClinVar aggregate classification (germline): Uncertain significance (1 of 4 stars; one submission).

Conditions:
Multiple endocrine neoplasia type 4. Also called: MULTIPLE ENDOCRINE NEOPLASIA, TYPE IV. Identifiers: Orphanet 276152, MedGen C1970712, MONDO:0012552, OMIM 610755.

Submission:

Labcorp Genetics (formerly Invitae), Labcorp
Classification: Uncertain significance for Multiple endocrine neoplasia type 4. Last evaluated: 2019-09-28. Review status: criteria provided, single submitter. Criteria: Invitae Variant Classification Sherloc (09022015). Collection method: clinical testing. Allele origin: germline.
Comment: This sequence change replaces glycine with valine at codon 182 of the CDKN1B protein (p.Gly182Val). The glycine residue is highly conserved and there is a moderate physicochemical difference between glycine and valine. This variant is not present in population databases (ExAC no frequency). This variant has not been reported in the literature in individuals with CDKN1B-related conditions. Algorithms developed to predict the effect of missense changes on protein structure and function are either unavailable or do not agree on the potential impact of this missense change (SIFT: "Deleterious"; PolyPhen-2: "Benign"; Align-GVGD: "Class C0"). In summary, the available evidence is currently insufficient to determine the role of this variant in disease. Therefore, it has been classified as a Variant of Uncertain Significance.

NM_004064.5(CDKN1B):c.545G>T (p.Gly182Val)

Gene: CDKN1B (cyclin dependent kinase inhibitor 1B; plus strand). Cytogenetic location: 12p13.1.
Variant type: single nucleotide variant.
Coding change: c.545G>T on transcript NM_004064.5 (MANE Select); coding-DNA position 545, G replaced by T.
Protein change: p.Gly182Val; replaces glycine 182 with valine.
Molecular consequence: missense variant.
Genome position (GRCh38, 1-based): chr12:12,718,894, G>T. VCF-style: chr12-12718894-G-T. GRCh37 (hg19) VCF-style: chr12-12871828-G-T.
Other names: short protein forms G182V.
Identifiers: ClinVar variation 966306 (VCV000966306.9), dbSNP rs1946512774, ClinGen allele CA383973063.
Genomic context (GRCh38, chr12:12,718,894, plus strand): 5'-CTCAAAACAAAAGAGCCAACAGAACAGAAGAAAATGTTTCAGACGGTTCCCCAAATGCCG[G>T]TTCTGTGGAGCAGACGCCCAAGAAGCCTGGCCTCAGAAGACGTCAAACGTAAACAGCTCG-3'
Protein context (NP_004055.1, residues 172-192): ENVSDGSPNA[Gly182Val]SVEQTPKKPG